The following is an entry in ClinVar:

NM_002299.4(LCT):c.5321A>G (p.Asn1774Ser)

Gene: LCT (lactase; minus strand). Cytogenetic location: 2q21.3.
Variant type: single nucleotide variant.
Coding change: c.5321A>G on transcript NM_002299.4 (MANE Select); coding-DNA position 5321, A replaced by G.
Protein change: p.Asn1774Ser; replaces asparagine 1774 with serine.
Molecular consequence: missense variant.
Genome position (GRCh38, 1-based): chr2:135,790,672, T>C on the plus strand (A>G on the coding strand, the complement: LCT is on the minus strand). VCF-style: chr2-135790672-T-C. GRCh37 (hg19) VCF-style: chr2-136548242-T-C.
Other names: short protein forms N1774S.
Identifiers: ClinVar variation 3061665 (VCV003061665.2), dbSNP rs781416672, ClinGen allele CA1887658.

ClinVar aggregate classification (germline): Uncertain significance (0 of 4 stars; one submission).

Conditions:
LCT-related disorder. Also called: LCT-related condition.

Allele frequency attached by ClinVar (database versions not stated): gnomAD exomes below 0.00001; TOPMed below 0.00001; ExAC 0.00001.
gnomAD v4.1: 4 of 1,610,514 alleles (0.00025%); highest among the groups gnomAD compares: African/African-American, 0.0013%; no homozygotes.

Submission:

PreventionGenetics, part of Exact Sciences
Classification: Uncertain significance for LCT-related condition. Last evaluated: 2024-01-28. Review status: no assertion criteria provided. Collection method: clinical testing. Allele origin: germline.
Comment: The LCT c.5321A>G variant is predicted to result in the amino acid substitution p.Asn1774Ser. To our knowledge, this variant has not been reported in the literature. This variant is reported in 0.0018% of alleles in individuals of European (Non-Finnish) descent in gnomAD. At this time, the clinical significance of this variant is uncertain due to the absence of conclusive functional and genetic evidence.